The following is an entry in ClinVar:

ClinVar aggregate classification (germline): Uncertain significance. Review status: criteria provided, multiple submitters, no conflicts (2 of 4 stars). 3 submissions from 3 submitters: Uncertain significance (3). Last evaluated 2025-03-12.

Conditions:
Hereditary cancer-predisposing syndrome. Also called: Neoplastic Syndromes, Hereditary; Hereditary Cancer Syndrome; Hereditary neoplastic syndrome; Tumor predisposition. Identifiers: Orphanet 140162, MedGen C0027672, MeSH D009386, MONDO:0015356.

Submissions (3):

Labcorp Genetics (formerly Invitae), Labcorp
Classification: Uncertain significance. Last evaluated: 2025-03-12. Review status: criteria provided, single submitter. Criteria: Invitae Variant Classification Sherloc (09022015). Collection method: clinical testing. Allele origin: germline.
Comment: This sequence change replaces histidine, which is basic and polar, with leucine, which is neutral and non-polar, at codon 630 of the MSH3 protein (p.His630Leu). This variant is not present in population databases (gnomAD no frequency). This variant has not been reported in the literature in individuals affected with MSH3-related conditions. ClinVar contains an entry for this variant (Variation ID: 1419145). An algorithm developed to predict the effect of missense changes on protein structure and function (PolyPhen-2) suggests that this variant is likely to be disruptive. In summary, the available evidence is currently insufficient to determine the role of this variant in disease. Therefore, it has been classified as a Variant of Uncertain Significance.

Ambry Genetics
Classification: Uncertain significance for Hereditary cancer-predisposing syndrome. Last evaluated: 2024-05-28. Review status: criteria provided, single submitter. Criteria: Ambry Variant Classification Scheme 2023. Collection method: clinical testing. Allele origin: germline.
Comment: The p.H630L variant (also known as c.1889A>T), located in coding exon 13 of the MSH3 gene, results from an A to T substitution at nucleotide position 1889. The histidine at codon 630 is replaced by leucine, an amino acid with similar properties. This amino acid position is highly conserved in available vertebrate species. In addition, this alteration is predicted to be deleterious by in silico analysis. Based on the available evidence, the clinical significance of this variant remains unclear.

Sema4
Classification: Uncertain significance for Hereditary cancer-predisposing syndrome. Last evaluated: 2021-08-11. Review status: criteria provided, single submitter. Criteria: Sema4 Curation Guidelines. Collection method: curation. Allele origin: germline.
Comment: The MSH3 c.1889A>T (p.H630L) variant has not been reported in the literature to our knowledge. It was not observed in the large and broad cohorts of the Genome Aggregation Database. The variant has not been reported in ClinVar. In silico tools suggest the impact of the variant on protein function is deleterious, though these predictions have not been confirmed by functional studies. The evidence is insufficient to meet ACMG/AMP criteria for classifying the variant as benign or pathogenic. Thus, the clinical significance of this variant is currently uncertain.

NM_002439.5(MSH3):c.1889A>T (p.His630Leu)

Gene: MSH3 (mutS homolog 3; plus strand). Cytogenetic location: 5q14.1.
Variant type: single nucleotide variant.
Coding change: c.1889A>T on transcript NM_002439.5 (MANE Select); coding-DNA position 1889, A replaced by T.
Protein change: p.His630Leu; replaces histidine 630 with leucine.
Molecular consequence: missense variant.
Genome position (GRCh38, 1-based): chr5:80,761,671, A>T. VCF-style: chr5-80761671-A-T. GRCh37 (hg19) VCF-style: chr5-80057490-A-T.
Other names: short protein forms H630L.
Identifiers: ClinVar variation 1419145 (VCV001419145.12), dbSNP rs777767431, ClinGen allele CA360276732.